The following is an entry in ClinVar:

ClinVar aggregate classification (germline): Uncertain significance (1 of 4 stars; one submission).

Submission:

GeneDx
Classification: Uncertain significance. Last evaluated: 2025-11-14. Review status: criteria provided, single submitter. Criteria: GeneDx Variant Classification Process June 2021. Collection method: clinical testing. Allele origin: germline. Affected: yes.
Comment: Not observed at significant frequency in large population cohorts (gnomAD); In silico analysis supports that this missense variant has a deleterious effect on protein structure/function; Has not been previously published as pathogenic or benign to our knowledge

NM_006922.4(SCN3A):c.4455G>C (p.Met1485Ile)

Gene: SCN3A (sodium voltage-gated channel alpha subunit 3; minus strand). Cytogenetic location: 2q24.3.
Variant type: single nucleotide variant.
Coding change: c.4455G>C on transcript NM_006922.4 (MANE Select); coding-DNA position 4455, G replaced by C.
Protein change: p.Met1485Ile; replaces methionine 1485 with isoleucine.
Molecular consequence: missense variant.
Genome position (GRCh38, 1-based): chr2:165,094,455, C>G on the plus strand (G>C on the coding strand, the complement: SCN3A is on the minus strand). VCF-style: chr2-165094455-C-G. GRCh37 (hg19) VCF-style: chr2-165950965-C-G.
Other names: c.4308G>C, p.Met1436Ile (NM_001081676.2, NM_001081677.2); short protein forms M1436I, M1485I.
Identifiers: ClinVar variation 2581915 (VCV002581915.2), dbSNP rs2468055362, ClinGen allele CA349020766.